The following is an entry in ClinVar:

NM_206943.4(LTBP1):c.3359-14T>C

Gene: LTBP1 (latent transforming growth factor beta binding protein 1; plus strand). Cytogenetic location: 2p22.3.
Variant type: single nucleotide variant.
Coding change: c.3359-14T>C on transcript NM_206943.4 (MANE Select); 14 bases into the intron before coding-DNA position 3359, T replaced by C.
Molecular consequence: intron variant.
Genome position (GRCh38, 1-based): chr2:33,301,508, T>C. VCF-style: chr2-33301508-T-C. GRCh37 (hg19) VCF-style: chr2-33526575-T-C.
Other names: c.3200-14T>C (NM_001394905.1); c.2138-14T>C (NM_001394916.1); c.2381-14T>C (NM_000627.4, NM_001394912.1, NM_001166264.2 and 1 more transcripts); c.2261-14T>C (NM_001394908.1); c.2255-14T>C (NM_001394909.1, NM_001394917.1); c.2378-14T>C (NM_001394906.1, NM_001394910.1, NM_001394919.1); c.2252-14T>C (NM_001394911.1); c.2297-14T>C (NM_001394915.1); and 6 more.
Identifiers: ClinVar variation 5038485 (VCV005038485.1).
Genomic context (GRCh38, chr2:33,301,508, plus strand): 5'-GATCCAATTGAGACTGATTGAAAATGTTTTTGAAGCACCACTTCCACAGTTTCTTTGTAT[T>C]CTCTTGCTCATAGACATTGATGAATGCCAGCACCGTCATCTCTGTGCTCATGGGCAGTGC-3'

ClinVar aggregate classification (germline): Likely benign (1 of 4 stars; one submission).

gnomAD v4.1: 10,787 of 1,571,296 alleles (0.69%); highest among the groups gnomAD compares: Non-Finnish European, 0.78%; 42 homozygotes.

Submission:

CeGaT Center for Human Genetics Tuebingen
Classification: Likely benign. Last evaluated: 2026-09-01. Review status: criteria provided, single submitter. Criteria: CeGaT Center For Human Genetics Tuebingen Variant Classification Criteria Version 2. Collection method: clinical testing. Allele origin: germline. Affected: yes. Observed: 4 variant alleles.
Comment: LTBP1: BP4, BP7, BS2